The following is an entry in ClinVar:

NM_003239.5(TGFB3):c.804G>A (p.Lys268=)

Gene: TGFB3 (transforming growth factor beta 3; minus strand). Cytogenetic location: 14q24.3.
Variant type: single nucleotide variant.
Coding change: c.804G>A on transcript NM_003239.5 (MANE Select); coding-DNA position 804, G replaced by A.
Protein change: p.Lys268=; no amino-acid change (lysine 268 retained).
Molecular consequence: synonymous variant.
Genome position (GRCh38, 1-based): chr14:75,963,438, C>T on the plus strand (G>A on the coding strand, the complement: TGFB3 is on the minus strand). VCF-style: chr14-75963438-C-T. GRCh37 (hg19) VCF-style: chr14-76429781-C-T.
Other names: c.804G>A, p.Lys268= (NM_001329938.2, NM_001329939.2).
Identifiers: ClinVar variation 3052387 (VCV003052387.2), dbSNP rs2140238277, ClinGen allele CA487189365.

ClinVar aggregate classification (germline): Likely benign (0 of 4 stars; one submission).

Conditions:
TGFB3-related disorder. Also called: TGFB3-related condition.

Submission:

PreventionGenetics, part of Exact Sciences
Classification: Likely benign for TGFB3-related condition. Last evaluated: 2022-03-17. Review status: no assertion criteria provided. Collection method: clinical testing. Allele origin: germline.
Comment: This variant is classified as likely benign based on ACMG/AMP sequence variant interpretation guidelines (Richards et al. 2015 PMID: 25741868, with internal and published modifications).